The following is an entry in ClinVar:

NM_030973.4(MED25):c.802G>A (p.Val268Ile)

Gene: MED25 (mediator complex subunit 25; plus strand). Cytogenetic location: 19q13.33.
Variant type: single nucleotide variant.
Coding change: c.802G>A on transcript NM_030973.4 (MANE Select); coding-DNA position 802, G replaced by A.
Protein change: p.Val268Ile; replaces valine 268 with isoleucine.
Molecular consequence: missense variant.
Genome position (GRCh38, 1-based): chr19:49,830,201, G>A. VCF-style: chr19-49830201-G-A. GRCh37 (hg19) VCF-style: chr19-50333458-G-A.
Other names: c.802G>A, p.Val268Ile (NM_001378355.1); short protein forms V268I.
Identifiers: ClinVar variation 575416 (VCV000575416.6), dbSNP rs1015978148, ClinGen allele CA9585013.

ClinVar aggregate classification (germline): Uncertain significance (1 of 4 stars; one submission).

Conditions:
Charcot-Marie-Tooth disease type 2. Also called: Charcot-Marie-Tooth type 2. Identifiers: Orphanet 64746, MedGen C0270914, MONDO:0018993.

Allele frequency attached by ClinVar (database versions not stated): gnomAD exomes 0.00003 and 0.00004; ExAC 0.00004; gnomAD 0.00006; TOPMed 0.00002.
gnomAD v4.1: 51 of 1,603,708 alleles (0.0032%); highest among the groups gnomAD compares: East Asian, 0.02%; 1 homozygote.

Submission:

Labcorp Genetics (formerly Invitae), Labcorp
Classification: Uncertain significance for Charcot-Marie-Tooth disease type 2. Last evaluated: 2022-10-03. Review status: criteria provided, single submitter. Criteria: Invitae Variant Classification Sherloc (09022015). Collection method: clinical testing. Allele origin: germline.
Comment: This sequence change replaces valine, which is neutral and non-polar, with isoleucine, which is neutral and non-polar, at codon 268 of the MED25 protein (p.Val268Ile). This variant is present in population databases (no rsID available, gnomAD 0.03%). This variant has not been reported in the literature in individuals affected with MED25-related conditions. ClinVar contains an entry for this variant (Variation ID: 575416). Algorithms developed to predict the effect of missense changes on protein structure and function are either unavailable or do not agree on the potential impact of this missense change (SIFT: "Tolerated"; PolyPhen-2: "Probably Damaging"; Align-GVGD: "Class C0"). In summary, the available evidence is currently insufficient to determine the role of this variant in disease. Therefore, it has been classified as a Variant of Uncertain Significance.